The following is an entry in ClinVar:

NM_000038.6(APC):c.6383C>G (p.Ala2128Gly)

Gene: APC (APC regulator of Wnt signaling pathway; plus strand). Cytogenetic location: 5q22.2.
Variant type: single nucleotide variant.
Coding change: c.6383C>G on transcript NM_000038.6 (MANE Select); coding-DNA position 6383, C replaced by G.
Protein change: p.Ala2128Gly; replaces alanine 2128 with glycine.
Molecular consequence: missense variant.
Genome position (GRCh38, 1-based): chr5:112,841,977, C>G. VCF-style: chr5-112841977-C-G. GRCh37 (hg19) VCF-style: chr5-112177674-C-G.
Other names: c.6383C>G, p.Ala2128Gly (NM_001127510.3, NM_001354895.2); c.6329C>G, p.Ala2110Gly (NM_001127511.3); c.6437C>G, p.Ala2146Gly (NM_001354896.2); c.6413C>G, p.Ala2138Gly (NM_001354897.2); c.6308C>G, p.Ala2103Gly (NM_001354898.2); c.6299C>G, p.Ala2100Gly (NM_001354899.2); c.6260C>G, p.Ala2087Gly (NM_001354900.2); c.6206C>G, p.Ala2069Gly (NM_001354901.2); and 5 more; short protein forms A2138G, A2037G, A2087G, A2100G, A2128G, A2146G, A2027G, A2110G.
Identifiers: ClinVar variation 1431168 (VCV001431168.9), dbSNP rs753228011, ClinGen allele CA16035310.

ClinVar aggregate classification (germline): Uncertain significance. Review status: criteria provided, multiple submitters, no conflicts (2 of 4 stars). 2 submissions from 2 submitters: Uncertain significance (2). Last evaluated 2025-12-21.

Conditions:
Hereditary cancer-predisposing syndrome. Also called: Hereditary Cancer Syndrome; Hereditary neoplastic syndrome; Neoplastic Syndromes, Hereditary; Tumor predisposition. Identifiers: Orphanet 140162, MedGen C0027672, MeSH D009386, MONDO:0015356.
Familial adenomatous polyposis 1 (FAP1). Also called: POLYPOSIS, ADENOMATOUS INTESTINAL; FAMILIAL ADENOMATOUS POLYPOSIS 1, ATTENUATED. Identifiers: MedGen C2713442, MONDO:0021056, OMIM 175100. Disease mechanism: loss of function.

Allele frequency attached by ClinVar (database versions not stated): gnomAD exomes below 0.00001.
gnomAD v4.1: 4 of 1,613,338 alleles (0.00025%); highest among the groups gnomAD compares: South Asian, 0.0022%; no homozygotes.

Submissions (2):

Labcorp Genetics (formerly Invitae), Labcorp
Classification: Uncertain significance for Familial adenomatous polyposis 1. Last evaluated: 2025-12-21. Review status: criteria provided, single submitter. Criteria: Invitae Variant Classification Sherloc (09022015). Collection method: clinical testing. Allele origin: germline.
Comment: This sequence change replaces alanine, which is neutral and non-polar, with glycine, which is neutral and non-polar, at codon 2128 of the APC protein (p.Ala2128Gly). This variant is present in population databases (no rsID available, gnomAD 0.003%). This variant has not been reported in the literature in individuals affected with APC-related conditions. ClinVar contains an entry for this variant (Variation ID: 1431168). Invitae Evidence Modeling of protein sequence and biophysical properties (such as structural, functional, and spatial information, amino acid conservation, physicochemical variation, residue mobility, and thermodynamic stability) indicates that this missense variant is not expected to disrupt APC protein function with a negative predictive value of 95%. In summary, the available evidence is currently insufficient to determine the role of this variant in disease. Therefore, it has been classified as a Variant of Uncertain Significance.

Ambry Genetics
Classification: Uncertain significance for Hereditary cancer-predisposing syndrome. Last evaluated: 2025-08-13. Review status: criteria provided, single submitter. Criteria: Ambry Variant Classification Scheme 2023. Collection method: clinical testing. Allele origin: germline.
Comment: The p.A2128G variant (also known as c.6383C>G), located in coding exon 15 of the APC gene, results from a C to G substitution at nucleotide position 6383. The alanine at codon 2128 is replaced by glycine, an amino acid with similar properties. This amino acid position is well conserved in available vertebrate species. In addition, in silico predictors for this gene do not accurately predict pathogenicity. Missense alterations in APC are not a common cause of disease (Spier I et al. Genet Med. 2024 Feb;26(2):100992). Based on the available evidence, the clinical significance of this variant remains unclear.